The following is an entry in ClinVar:

NM_000540.3(RYR1):c.13048G>T (p.Ala4350Ser)

Gene: RYR1 (ryanodine receptor 1; plus strand). Cytogenetic location: 19q13.2.
Variant type: single nucleotide variant.
Coding change: c.13048G>T on transcript NM_000540.3 (MANE Select); coding-DNA position 13048, G replaced by T.
Protein change: p.Ala4350Ser; replaces alanine 4350 with serine.
Molecular consequence: missense variant.
Genome position (GRCh38, 1-based): chr19:38,565,382, G>T. VCF-style: chr19-38565382-G-T. GRCh37 (hg19) VCF-style: chr19-39056022-G-T.
Other names: c.13033G>T, p.Ala4345Ser (NM_001042723.2); short protein forms A4350S, A4345S.
Identifiers: ClinVar variation 2911590 (VCV002911590.2), dbSNP rs777783994, ClinGen allele CA405673223.

ClinVar aggregate classification (germline): Uncertain significance (1 of 4 stars; one submission).

Conditions:
RYR1-related disorder. Also called: RYR1-related condition; RYR1-related disorders. Identifiers: MedGen CN239331.

Allele frequency attached by ClinVar (database versions not stated): gnomAD 0.00001.
gnomAD v4.1: 2 of 1,348,916 alleles (0.00015%); highest among the groups gnomAD compares: Non-Finnish European, 0.00019%; no homozygotes.

Submission:

Labcorp Genetics (formerly Invitae), Labcorp
Classification: Uncertain significance for RYR1-related disorder. Last evaluated: 2022-11-20. Review status: criteria provided, single submitter. Criteria: Invitae Variant Classification Sherloc (09022015). Collection method: clinical testing. Allele origin: germline.
Comment: In summary, the available evidence is currently insufficient to determine the role of this variant in disease. Therefore, it has been classified as a Variant of Uncertain Significance. Advanced modeling of protein sequence and biophysical properties (such as structural, functional, and spatial information, amino acid conservation, physicochemical variation, residue mobility, and thermodynamic stability) performed at Invitae indicates that this missense variant is not expected to disrupt RYR1 protein function. This variant has not been reported in the literature in individuals affected with RYR1-related conditions. This variant is not present in population databases (gnomAD no frequency). This sequence change replaces alanine, which is neutral and non-polar, with serine, which is neutral and polar, at codon 4350 of the RYR1 protein (p.Ala4350Ser).